The following is an entry in ClinVar:

ClinVar aggregate classification (germline): Conflicting classifications of pathogenicity. Review status: criteria provided, conflicting classifications (1 of 4 stars). 2 submissions from 2 submitters: Likely pathogenic (1); Uncertain significance (1). Last evaluated 2020-08-12.

Conditions:
Intellectual developmental disorder, X-linked, syndromic, Snyder-Robinson type. Also called: Syndromic X-linked intellectual disability Snyder type; X-linked mental retardation Snyder - Robinson type; SNYDER-ROBINSON MENTAL RETARDATION SYNDROME; Spermine synthase deficiency. Identifiers: Orphanet 3063, MedGen C0796160, MONDO:0010664, OMIM 309583.

Submissions (2):

GeneDx
Classification: Uncertain significance. Last evaluated: 2020-08-12. Review status: criteria provided, single submitter. Criteria: GeneDx Variant Classification Process June 2021. Collection method: clinical testing. Allele origin: germline. Affected: yes.
Comment: Not observed in large population cohorts (Lek et al., 2016); In silico analysis supports that this missense variant has a deleterious effect on protein structure/function; Has not been previously published as pathogenic or benign to our knowledge

Randwick Genomics Laboratory, Prince of Wales Hospital Sydney, Australia, New South Wales Health Pathology
Classification: Likely pathogenic for Intellectual developmental disorder, X-linked, syndromic, Snyder-Robinson type. Review status: criteria provided, single submitter. Criteria: ACMG Guidelines, 2015. Collection method: clinical testing. Allele origin: germline. Affected: yes.
Comment: PM2, PS4_moderate, PP4_moderate

Sibling pair, XLR

NM_004595.5(SMS):c.152A>G (p.Tyr51Cys)

Gene: SMS (spermine synthase; plus strand). Cytogenetic location: Xp22.11.
Variant type: single nucleotide variant.
Coding change: c.152A>G on transcript NM_004595.5 (MANE Select); coding-DNA position 152, A replaced by G.
Protein change: p.Tyr51Cys; replaces tyrosine 51 with cysteine.
Molecular consequence: missense variant.
Genome position (GRCh38, 1-based): chrX:21,967,298, A>G. VCF-style: chrX-21967298-A-G. GRCh37 (hg19) VCF-style: chrX-21985416-A-G.
Other names: c.152A>G, p.Tyr51Cys (NM_001258423.2); short protein forms Y51C.
Identifiers: ClinVar variation 1210218 (VCV001210218.4), dbSNP rs2147508108, ClinGen allele CA412564232.